The following is an entry in ClinVar:

ClinVar aggregate classification (germline): Pathogenic (1 of 4 stars; one submission).

gnomAD v4.1: 1 of 1,614,010 alleles (0.000062%); highest among the groups gnomAD compares: Non-Finnish European, 0.000085%; no homozygotes.

Submission:

Labcorp Genetics (formerly Invitae), Labcorp
Classification: Pathogenic. Last evaluated: 2024-07-30. Review status: criteria provided, single submitter. Criteria: Invitae Variant Classification Sherloc (09022015). Collection method: clinical testing. Allele origin: germline.
Comment: This sequence change affects an acceptor splice site in intron 7 of the LRP5 gene. It is expected to disrupt RNA splicing. Variants that disrupt the donor or acceptor splice site typically lead to a loss of protein function (PMID: 16199547), and loss-of-function variants in LRP5 are known to be pathogenic (PMID: 11719191, 16252235, 25711638). This variant is not present in population databases (gnomAD no frequency). Disruption of this splice site has been observed in individual(s) with clinical features of exudative vitreoretinopathy (Invitae; external communication). Algorithms developed to predict the effect of sequence changes on RNA splicing suggest that this variant may disrupt the consensus splice site. For these reasons, this variant has been classified as Pathogenic.

Literature cited by the submitters: PubMed 16199547; PubMed 11719191; PubMed 16252235; PubMed 25711638.

NM_002335.4(LRP5):c.1585-1G>C

Gene: LRP5 (LDL receptor related protein 5; plus strand). Cytogenetic location: 11q13.2.
Variant type: single nucleotide variant.
Coding change: c.1585-1G>C on transcript NM_002335.4 (MANE Select); the canonical splice acceptor site of the intron before coding-DNA position 1585, G replaced by C.
Molecular consequence: splice acceptor variant.
Genome position (GRCh38, 1-based): chr11:68,403,482, G>C. VCF-style: chr11-68403482-G-C. GRCh37 (hg19) VCF-style: chr11-68170950-G-C.
Other names: c.-353-1G>C (NM_001291902.2).
Identifiers: ClinVar variation 3660863 (VCV003660863.2).
Genomic context (GRCh38, chr11:68,403,482, plus strand): 5'-GGGTTGGCTCTCGTTGGTGTGGCCCTGGCCCATCCAGACCTATATTTCTGCCGTCCTGCA[G>C]GTGATCAATGTTGATGGGACGAAGAGGCGGACCCTCCTGGAGGACAAGCTCCCGCACATT-3'